The following is an entry in ClinVar:

NM_133642.5(LARGE1):c.185G>A (p.Arg62His)

Gene: LARGE1 (LARGE xylosyl- and glucuronyltransferase 1; minus strand). Cytogenetic location: 22q12.3.
Variant type: single nucleotide variant.
Coding change: c.185G>A on transcript NM_133642.5 (MANE Select); coding-DNA position 185, G replaced by A.
Protein change: p.Arg62His; replaces arginine 62 with histidine.
Molecular consequence: missense variant.
Genome position (GRCh38, 1-based): chr22:33,650,590, C>T on the plus strand (G>A on the coding strand, the complement: LARGE1 is on the minus strand). VCF-style: chr22-33650590-C-T. GRCh37 (hg19) VCF-style: chr22-34046576-C-T.
Other names: c.185G>A, p.Arg62His (NM_001362949.2, NM_001362951.2, NM_001362953.2 and 7 more transcripts); short protein forms R62H.
Identifiers: ClinVar variation 2053380 (VCV002053380.4), dbSNP rs777156706, ClinGen allele CA10203132.

ClinVar aggregate classification (germline): Uncertain significance (1 of 4 stars; one submission).

Conditions:
Muscular dystrophy-dystroglycanopathy type B6 (MDDGB6). Also called: MUSCULAR DYSTROPHY, CONGENITAL, LARGE-RELATED; MUSCULAR DYSTROPHY, CONGENITAL, TYPE 1D; MUSCULAR DYSTROPHY-DYSTROGLYCANOPATHY (CONGENITAL WITH IMPAIRED INTELLECTUAL DEVELOPMENT), TYPE B, 6. Identifiers: MedGen C1837229, MONDO:0012138, OMIM 608840.

Allele frequency attached by ClinVar (database versions not stated): TOPMed below 0.00001.

Submission:

Labcorp Genetics (formerly Invitae), Labcorp
Classification: Uncertain significance for Muscular dystrophy-dystroglycanopathy type B6. Last evaluated: 2022-02-19. Review status: criteria provided, single submitter. Criteria: Invitae Variant Classification Sherloc (09022015). Collection method: clinical testing. Allele origin: germline.
Comment: In summary, the available evidence is currently insufficient to determine the role of this variant in disease. Therefore, it has been classified as a Variant of Uncertain Significance. Algorithms developed to predict the effect of missense changes on protein structure and function are either unavailable or do not agree on the potential impact of this missense change (SIFT: "Deleterious"; PolyPhen-2: "Benign"; Align-GVGD: "Class C0"). This variant has not been reported in the literature in individuals affected with LARGE1-related conditions. The frequency data for this variant in the population databases is considered unreliable, as metrics indicate poor data quality at this position in the gnomAD database. This sequence change replaces arginine, which is basic and polar, with histidine, which is basic and polar, at codon 62 of the LARGE1 protein (p.Arg62His).